The following is an entry in ClinVar:

ClinVar aggregate classification (germline): Uncertain significance (1 of 4 stars; one submission).

Conditions:
Inborn genetic diseases. Identifiers: MedGen C0950123, MeSH D030342.

Submission:

Ambry Genetics
Classification: Uncertain significance for Inborn genetic diseases. Last evaluated: 2025-03-17. Review status: criteria provided, single submitter. Criteria: Ambry Variant Classification Scheme 2023. Collection method: clinical testing. Allele origin: germline.
Comment: The p.D1121H variant (also known as c.3361G>C), located in coding exon 19 of the RECQL4 gene, results from a G to C substitution at nucleotide position 3361. The aspartic acid at codon 1121 is replaced by histidine, an amino acid with similar properties. This amino acid position is conserved. In addition, this alteration is predicted to be tolerated by in silico analysis. Based on the available evidence, the clinical significance of this variant remains unclear.

NM_004260.4(RECQL4):c.3361G>C (p.Asp1121His)

Gene: RECQL4 (RecQ like helicase 4; minus strand). Cytogenetic location: 8q24.3.
Variant type: single nucleotide variant.
Coding change: c.3361G>C on transcript NM_004260.4 (MANE Select); coding-DNA position 3361, G replaced by C.
Protein change: p.Asp1121His; replaces aspartic acid 1121 with histidine.
Molecular consequence: missense variant. On other transcripts: non-coding transcript variant (3).
Genome position (GRCh38, 1-based): chr8:144,511,943, C>G on the plus strand (G>C on the coding strand, the complement: RECQL4 is on the minus strand). VCF-style: chr8-144511943-C-G. GRCh37 (hg19) VCF-style: chr8-145737326-C-G.
Other names: c.3067G>C, p.Asp1023His (NM_001413017.1); c.3163G>C, p.Asp1055His (NM_001413018.1); c.3436G>C, p.Asp1146His (NM_001413019.1); c.3265G>C, p.Asp1089His (NM_001413020.1); c.2290G>C, p.Asp764His (NM_001413021.1, NM_001413022.1, NM_001413024.1 and 4 more transcripts); c.2365G>C, p.Asp789His (NM_001413023.1); c.3232G>C, p.Asp1078His (NM_001413025.1); c.2224G>C, p.Asp742His (NM_001413027.1, NM_001413030.1, NM_001413032.1); and 9 more; short protein forms D1004H, D1023H, D1111H, D1121H, D764H, D789H, D1077H, D720H.
Identifiers: ClinVar variation 3944237 (VCV003944237.1).